The following is an entry in ClinVar:

ClinVar aggregate classification (germline): Uncertain significance (1 of 4 stars; one submission).

Allele frequency attached by ClinVar (database versions not stated): gnomAD exomes below 0.00001.
gnomAD v4.1: 2 of 1,613,884 alleles (0.00012%); highest among the groups gnomAD compares: South Asian, 0.0011%; no homozygotes.

Submission:

Labcorp Genetics (formerly Invitae), Labcorp
Classification: Uncertain significance. Last evaluated: 2023-08-10. Review status: criteria provided, single submitter. Criteria: Invitae Variant Classification Sherloc (09022015). Collection method: clinical testing. Allele origin: germline.
Comment: This sequence change replaces aspartic acid, which is acidic and polar, with glycine, which is neutral and non-polar, at codon 274 of the RAB3GAP1 protein (p.Asp274Gly). This variant is not present in population databases (gnomAD no frequency). This variant has not been reported in the literature in individuals affected with RAB3GAP1-related conditions. Advanced modeling of protein sequence and biophysical properties (such as structural, functional, and spatial information, amino acid conservation, physicochemical variation, residue mobility, and thermodynamic stability) performed at Invitae indicates that this missense variant is expected to disrupt RAB3GAP1 protein function. In summary, the available evidence is currently insufficient to determine the role of this variant in disease. Therefore, it has been classified as a Variant of Uncertain Significance.

NM_012233.3(RAB3GAP1):c.821A>G (p.Asp274Gly)

Gene: RAB3GAP1 (RAB3 GTPase activating protein catalytic subunit 1; plus strand). Cytogenetic location: 2q21.3.
Variant type: single nucleotide variant.
Coding change: c.821A>G on transcript NM_012233.3 (MANE Select); coding-DNA position 821, A replaced by G.
Protein change: p.Asp274Gly; replaces aspartic acid 274 with glycine.
Molecular consequence: missense variant.
Genome position (GRCh38, 1-based): chr2:135,124,237, A>G. VCF-style: chr2-135124237-A-G. GRCh37 (hg19) VCF-style: chr2-135881807-A-G.
Other names: c.821A>G, p.Asp274Gly (NM_001172435.2); short protein forms D274G.
Identifiers: ClinVar variation 2911675 (VCV002911675.3), dbSNP rs1691282533, ClinGen allele CA348568150.
Genomic context (GRCh38, chr2:135,124,237, plus strand): 5'-TTGTAGGAGGAGAAGTTGGAGGCTTGGAGTTTGGCAAGTTACCATTTGGTGCCTGCGAAG[A>G]TCCTATTAGGTGAGAATTTCAACCTGTCATTTGAATTGTGGGAATATTTTACTTTGAATT-3'
Protein context (NP_036365.1, residues 264-284): FGKLPFGACE[Asp274Gly]PISELHLATT